The following is an entry in ClinVar:

NM_007294.4(BRCA1):c.649A>G (p.Ser217Gly)

Gene: BRCA1 (BRCA1 DNA repair associated; minus strand). Cytogenetic location: 17q21.31.
Variant type: single nucleotide variant.
Coding change: c.649A>G on transcript NM_007294.4 (MANE Select); coding-DNA position 649, A replaced by G.
Protein change: p.Ser217Gly; replaces serine 217 with glycine.
Molecular consequence: missense variant. On other transcripts: intron variant (115).
Genome position (GRCh38, 1-based): chr17:43,095,867, T>C on the plus strand (A>G on the coding strand, the complement: BRCA1 is on the minus strand). VCF-style: chr17-43095867-T-C. GRCh37 (hg19) VCF-style: chr17-41247884-T-C.
Other names: c.649A>G, p.Ser217Gly (NM_001407596.1, NM_001407597.1, NM_001407598.1 and 58 more transcripts); c.646A>G, p.Ser216Gly (NM_001407610.1, NM_001407611.1, NM_001407612.1 and 41 more transcripts); c.508A>G, p.Ser170Gly (NM_001407739.1, NM_001407692.1, NM_001407729.1 and 43 more transcripts); c.436A>G, p.Ser146Gly (NM_001407571.1, NM_001407853.1, NM_001407894.1 and 12 more transcripts); c.571A>G, p.Ser191Gly (NM_001407657.1, NM_001407658.1, NM_001407663.1 and 9 more transcripts); c.568A>G, p.Ser190Gly (NM_001407659.1, NM_001407660.1, NM_001407661.1 and 3 more transcripts); c.404-1007A>G (NM_001407932.1, NM_001408503.1, NM_001407934.1 and 5 more transcripts); c.407-1007A>G (NM_001408498.1, NM_001407928.1, NM_001407925.1 and 15 more transcripts); and 17 more; short protein forms S146G, S147G, S169G, S170G, S172G, S190G, S191G, S214G.
Identifiers: ClinVar variation 4867685 (VCV004867685.1).

ClinVar aggregate classification (germline): Uncertain significance (1 of 4 stars; one submission).

Conditions:
Hereditary cancer-predisposing syndrome. Also called: Neoplastic Syndromes, Hereditary; Tumor predisposition; Hereditary Cancer Syndrome; Hereditary neoplastic syndrome. Identifiers: Orphanet 140162, MedGen C0027672, MeSH D009386, MONDO:0015356.

Submission:

Ambry Genetics
Classification: Uncertain significance for Hereditary cancer-predisposing syndrome. Last evaluated: 2026-04-22. Review status: criteria provided, single submitter. Criteria: Ambry Variant Classification Scheme 2023. Collection method: clinical testing. Allele origin: germline.
Comment: The p.S217G variant (also known as c.649A>G), located in coding exon 8 of the BRCA1 gene, results from an A to G substitution at nucleotide position 649. The serine at codon 217 is replaced by glycine, an amino acid with similar properties. This amino acid position is not well conserved in available vertebrate species. In addition, the in silico prediction for this alteration is inconclusive. Based on the available evidence, the clinical significance of this variant remains unclear.